The following is an entry in ClinVar:

NM_000090.4(COL3A1):c.2047C>T (p.Arg683Cys)

Gene: COL3A1 (collagen type III alpha 1 chain; plus strand). Cytogenetic location: 2q32.2.
Variant type: single nucleotide variant.
Coding change: c.2047C>T on transcript NM_000090.4 (MANE Select); coding-DNA position 2047, C replaced by T.
Protein change: p.Arg683Cys; replaces arginine 683 with cysteine.
Molecular consequence: missense variant.
Genome position (GRCh38, 1-based): chr2:188,999,309, C>T. VCF-style: chr2-188999309-C-T. GRCh37 (hg19) VCF-style: chr2-189864035-C-T.
Other names: short protein forms R683C.
Identifiers: ClinVar variation 1332416 (VCV001332416.6), dbSNP rs1254414798, ClinGen allele CA349839909.

ClinVar aggregate classification (germline): Uncertain significance. Review status: criteria provided, multiple submitters, no conflicts (2 of 4 stars). 2 submissions from 2 submitters: Uncertain significance (2). Last evaluated 2024-03-06.

Conditions:
Ehlers-Danlos syndrome, type 4 (EDSVASC). Also called: Ehlers-Danlos syndrome vascular type; Ehlers Danlos syndrome, ecchymotic type; Ehlers Danlos syndrome, arterial type; Ehlers Danlos syndrome, Sack-Barabas type; Ehlers-Danlos Syndrome Type IV. Identifiers: Orphanet 286, MedGen C0268338, MONDO:0017314, OMIM 130050.
Familial thoracic aortic aneurysm and aortic dissection (TAAD). Also called: Thoracic aortic aneurysms and dissections. Identifiers: Orphanet 91387, MedGen C4707243, MONDO:0019625.

Allele frequency attached by ClinVar (database versions not stated): gnomAD exomes below 0.00001; TOPMed below 0.00001; gnomAD 0.00001.

Submissions (2):

Color Diagnostics, LLC DBA Color Health
Classification: Uncertain significance for Familial thoracic aortic aneurysm and aortic dissection. Last evaluated: 2024-03-06. Review status: criteria provided, single submitter. Criteria: ACMG Guidelines, 2015. Collection method: clinical testing. Allele origin: germline.
Comment: This missense variant replaces arginine with cysteine at codon 683 of the COL3A1 protein. Computational prediction suggests that this variant may have deleterious impact on protein structure and function (internally defined REVEL score threshold >= 0.7, PMID: 27666373). To our knowledge, functional studies have not been reported for this variant. This variant has not been reported in individuals affected with cardiovascular disorders in the literature. This variant has been identified in 1/31388 chromosomes in the general population by the Genome Aggregation Database (gnomAD). The available evidence is insufficient to determine the role of this variant in disease conclusively. Therefore, this variant is classified as a Variant of Uncertain Significance.

Labcorp Genetics (formerly Invitae), Labcorp
Classification: Uncertain significance for Ehlers-Danlos syndrome, type 4. Last evaluated: 2022-11-29. Review status: criteria provided, single submitter. Criteria: Invitae Variant Classification Sherloc (09022015). Collection method: clinical testing. Allele origin: germline.
Comment: In summary, the available evidence is currently insufficient to determine the role of this variant in disease. Therefore, it has been classified as a Variant of Uncertain Significance. Advanced modeling of protein sequence and biophysical properties (such as structural, functional, and spatial information, amino acid conservation, physicochemical variation, residue mobility, and thermodynamic stability) has been performed at Invitae for this missense variant, however the output from this modeling did not meet the statistical confidence thresholds required to predict the impact of this variant on COL3A1 protein function. ClinVar contains an entry for this variant (Variation ID: 1332416). This variant has not been reported in the literature in individuals affected with COL3A1-related conditions. This variant is present in population databases (no rsID available, gnomAD 0.007%). This sequence change replaces arginine, which is basic and polar, with cysteine, which is neutral and slightly polar, at codon 683 of the COL3A1 protein (p.Arg683Cys).